The following is an entry in ClinVar:

NM_016247.4(IMPG2):c.3703G>C (p.Glu1235Gln)

Gene: IMPG2 (interphotoreceptor matrix proteoglycan 2; minus strand). Cytogenetic location: 3q12.3.
Variant type: single nucleotide variant.
Coding change: c.3703G>C on transcript NM_016247.4 (MANE Select); coding-DNA position 3703, G replaced by C.
Protein change: p.Glu1235Gln; replaces glutamic acid 1235 with glutamine.
Molecular consequence: missense variant.
Genome position (GRCh38, 1-based): chr3:101,228,807, C>G on the plus strand (G>C on the coding strand, the complement: IMPG2 is on the minus strand). VCF-style: chr3-101228807-C-G. GRCh37 (hg19) VCF-style: chr3-100947651-C-G.
Other names: short protein forms E1235Q.
Identifiers: ClinVar variation 901371 (VCV000901371.13), dbSNP rs750183083, ClinGen allele CA2518680.
Genomic context (GRCh38, chr3:101,228,807, plus strand): 5'-TAAACTGTTAAGTCTGTAGGTCGGGGTGGGGGGCTGTTTCAAAAGCTTACACTTGTTGCT[C>G]TCTCACAAAAGCTGCAAACTCAGGATCATTGGCATACAGTTCCAAAACTCTCATTCTCTC-3'
Protein context (NP_057331.2, residues 1225-1241): NDPEFAAFVR[Glu1235Gln]QQVEEV

ClinVar aggregate classification (germline): Uncertain significance. Review status: criteria provided, multiple submitters, no conflicts (2 of 4 stars). 5 submissions from 5 submitters: Uncertain significance (5). Last evaluated 2025-03-07.

Conditions:
Retinitis pigmentosa (RP). Identifiers: Orphanet 791, MedGen C0035334, MeSH D012174, MONDO:0019200, OMIM 268000. Inheritance: Autosomal dominant, autosomal recessive and X linked inheritance.
IMPG2-related disorder. Also called: IMPG2-related condition.
Retinal dystrophy. Also called: Inherited retinal dystrophy. Identifiers: Orphanet 71862, MedGen C0854723, MeSH D058499, MONDO:0019118, HP:0000556.

Allele frequency attached by ClinVar (database versions not stated): gnomAD 0.00001; gnomAD exomes 0.00001; TOPMed 0.00001; ExAC 0.00002.
gnomAD v4.1: 9 of 1,613,646 alleles (0.00056%); highest among the groups gnomAD compares: East Asian, 0.018%; no homozygotes.

Submissions (5):

PreventionGenetics, part of Exact Sciences
Classification: Uncertain significance for IMPG2-related condition. Last evaluated: 2025-03-07. Review status: criteria provided, single submitter. Criteria: ACMG Guidelines, 2015. Collection method: clinical testing. Allele origin: germline.
Comment: The IMPG2 c.3703G>C variant is predicted to result in the amino acid substitution p.Glu1235Gln. This variant has been reported in an individual with retinitis pigmentosa along with another variant in IMPG2 (Table S4, Xu et al. 2014. PubMed ID: 24938718). This variant is reported in 0.020% of alleles in individuals of East Asian descent in gnomAD. At this time, the clinical significance of this variant is uncertain due to the absence of conclusive functional and genetic evidence.

Blueprint Genetics
Classification: Uncertain significance. Last evaluated: 2023-12-26. Review status: criteria provided, single submitter. Criteria: ACMG Guidelines, 2015. Collection method: clinical testing. Allele origin: germline.

Dept Of Ophthalmology, Nagoya University
Classification: Uncertain significance for Retinal dystrophy. Last evaluated: 2023-10-01. Review status: criteria provided, single submitter. Criteria: Submitter's publication. Collection method: research. Allele origin: germline. Affected: yes.

Labcorp Genetics (formerly Invitae), Labcorp
Classification: Uncertain significance. Last evaluated: 2021-08-27. Review status: criteria provided, single submitter. Criteria: Invitae Variant Classification Sherloc (09022015). Collection method: clinical testing. Allele origin: germline.
Comment: This sequence change replaces glutamic acid with glutamine at codon 1235 of the IMPG2 protein (p.Glu1235Gln). The glutamic acid residue is highly conserved and there is a small physicochemical difference between glutamic acid and glutamine. This variant is present in population databases (rs750183083, ExAC 0.02%). This missense change has been observed in individual(s) with retinitis pigmentosa (PMID: 24938718). Algorithms developed to predict the effect of missense changes on protein structure and function output the following: SIFT: "Tolerated"; PolyPhen-2: "Benign"; Align-GVGD: "Class C0". The glutamine amino acid residue is found in multiple mammalian species, which suggests that this missense change does not adversely affect protein function. In summary, the available evidence is currently insufficient to determine the role of this variant in disease. Therefore, it has been classified as a Variant of Uncertain Significance.

Illumina Laboratory Services, Illumina
Classification: Uncertain significance for Retinitis pigmentosa. Last evaluated: 2017-04-27. Review status: criteria provided, single submitter. Criteria: ICSL Variant Classification Criteria 13 December 2019. Collection method: clinical testing. Allele origin: germline.

Literature cited by the submitters: PubMed 24938718 (cited by Labcorp Genetics (formerly Invitae), Labcorp).